The following is an entry in ClinVar:

NM_000061.3(BTK):c.1574G>A (p.Arg525Gln)

Gene: BTK (Bruton tyrosine kinase; minus strand). Cytogenetic location: Xq22.1.
Variant type: single nucleotide variant.
Coding change: c.1574G>A on transcript NM_000061.3 (MANE Select); coding-DNA position 1574, G replaced by A.
Protein change: p.Arg525Gln; replaces arginine 525 with glutamine.
Molecular consequence: missense variant.
Genome position (GRCh38, 1-based): chrX:101,354,687, C>T on the plus strand (G>A on the coding strand, the complement: BTK is on the minus strand). VCF-style: chrX-101354687-C-T. GRCh37 (hg19) VCF-style: chrX-100609675-C-T.
Other names: c.1676G>A, p.Arg559Gln (NM_001287344.2); c.1046G>A, p.Arg349Gln (NM_001287345.2); short protein forms R525Q, R349Q, R559Q.
Identifiers: ClinVar variation 11342 (VCV000011342.17), dbSNP rs128620183, ClinGen allele CA255784.
Genomic context (GRCh38, chrX:101,354,687, plus strand): 5'-CACCTGGACAGGCCGAAATCAGATACTTTAACAACTCCTTGATCGTTTACCAAACAGTTT[C>T]GAGCTGCCTGTAGTGCAAACAGAGACCAGTGAGACTCCGTCCCCAGCACAGAGGTTAAAG-3'
Protein context (NP_000052.1, residues 515-535): KQFLHRDLAA[Arg525Gln]NCLVNDQGVV

ClinVar aggregate classification (germline): Pathogenic/Likely pathogenic. Review status: criteria provided, multiple submitters, no conflicts (2 of 4 stars). 8 submissions from 8 submitters: Pathogenic (5); Likely pathogenic (1). 2 of the submissions do not count toward it. Last evaluated 2026-09-21.

Conditions:
BTK-related disorder. Also called: BTK-related condition.
X-linked agammaglobulinemia (XLA). Also called: AGAMMAGLOBULINEMIA, X-LINKED, TYPE 1; Bruton-type agammaglobulinemia; Bruton's agammaglobulinemia; Agammaglobulinemia, Bruton tyrosine kinase; Agammaglobulinemia, BTK; BTK-deficiency. Identifiers: Orphanet 229717, Orphanet 47, MedGen C0221026, MONDO:0010421, OMIM 300755.
X-linked agammaglobulinemia with growth hormone deficiency (IGHD3). Also called: Isolated growth hormone deficiency type 3; Growth hormone deficiency with hypogammaglobulinemia; AGAMMAGLOBULINEMIA AND ISOLATED GROWTH HORMONE DEFICIENCY, X-LINKED; FLEISHER SYNDROME; HYPOGAMMAGLOBULINEMIA AND ISOLATED GROWTH HORMONE DEFICIENCY, X-LINKED; ISOLATED GROWTH HORMONE DEFICIENCY, TYPE III, WITH AGAMMAGLOBULINEMIA. Identifiers: Orphanet 231692, Orphanet 631, MedGen C0472813, MONDO:0010615, OMIM 307200.
Autosomal recessive agammaglobulinemia 1 (AGM1). Also called: AGAMMAGLOBULINEMIA, AUTOSOMAL RECESSIVE, DUE TO IGHM DEFECT; Agammaglobulinemia type 1. Identifiers: MedGen C3152144, MONDO:0020729, OMIM 601495.

Submissions (8):

PreventionGenetics, part of Exact Sciences
Classification: Pathogenic for BTK-related condition. Last evaluated: 2026-09-21. Review status: criteria provided, single submitter. Criteria: ACMG Guidelines, 2015. Collection method: clinical testing. Allele origin: germline.
Comment: The BTK c.1574G>A variant is predicted to result in the amino acid substitution p.Arg525Gln. This variant has been reported in individuals with agammaglobulinemia or a suspected immunodeficiency (Supplementary Data, Azizi et al. 2023. PubMed ID: 36790564; Supplementary Data, Kuzmenko et al. 2024. PubMed ID: 39052144; Supplementary Data, Platt et al. 2020. PubMed ID: 32888943; Supplementary Data, Suspitsin et al. 2020. PubMed ID: 32441320; Yazdani et al. 2018. PubMed ID: 30240888). This variant has not been reported in a large population database (gnomAD), indicating this variant is rare. This variant is interpreted as pathogenic.

Labcorp Genetics (formerly Invitae), Labcorp
Classification: Pathogenic for X-linked agammaglobulinemia with growth hormone deficiency. Last evaluated: 2025-11-24. Review status: criteria provided, single submitter. Criteria: Invitae Variant Classification Sherloc (09022015). Collection method: clinical testing. Allele origin: germline.
Comment: This sequence change replaces arginine, which is basic and polar, with glutamine, which is neutral and polar, at codon 525 of the BTK protein (p.Arg525Gln). This variant is not present in population databases (gnomAD no frequency). This missense change has been observed in individual(s) with X-linked agammaglobulinemia (PMID: 9445504, 11742281, 19039656). In at least one individual the variant was observed to be de novo. This variant is also known as c.1706G>A. ClinVar contains an entry for this variant (Variation ID: 11342). Invitae Evidence Modeling of protein sequence and biophysical properties (such as structural, functional, and spatial information, amino acid conservation, physicochemical variation, residue mobility, and thermodynamic stability) indicates that this missense variant is expected to disrupt BTK protein function with a positive predictive value of 95%. For these reasons, this variant has been classified as Pathogenic.

3billion
Classification: Pathogenic for X-linked agammaglobulinemia. Last evaluated: 2025-05-25. Review status: criteria provided, single submitter. Criteria: ACMG Guidelines, 2015. Collection method: clinical testing. Allele origin: germline. Affected: yes.
Comment: The variant is not observed in the gnomAD v4.1.0 dataset. Predicted Consequence/Location: Missense variant In silico tool predictions suggest damaging effect of the variant on gene or gene product [REVEL: 0.91 (>=0.6, sensitivity 0.68 and specificity 0.92); 3Cnet: 0.98 (> 0.75, sensitivity 0.96 and precision 0.92)]. The same nucleotide change resulting in the same amino acid change has been previously reported as pathogenic/likely pathogenic with strong evidence (ClinVar ID: VCV000011342 /PMID: 8380905). The variant has been observed in at least two similarly affected unrelated individuals (PMID: 19039656). Different missense changes at the same codon (p.Arg525Gly, p.Arg525Pro) have been reported to be associated with BTK-related disorder (ClinVar ID: VCV000663091 /PMID: 7711734, 9545398). Therefore, this variant is classified as Pathogenic according to the recommendation of ACMG/AMP guideline.

Blueprint Genetics
Classification: Pathogenic for BTK-related disorders. Last evaluated: 2023-05-19. Review status: criteria provided, single submitter. Criteria: ACMG Guidelines, 2015. Collection method: clinical testing. Allele origin: germline. Affected: yes. Observed: 2 variant alleles.

Institute of Medical Genetics and Applied Genomics, University Hospital Tübingen
Classification: Likely pathogenic. Last evaluated: 2020-10-23. Review status: criteria provided, single submitter. Criteria: ACMG Guidelines, 2015. Collection method: clinical testing. Allele origin: germline. Inheritance: X-linked recessive inheritance. Affected: yes.

Women's Health and Genetics/Laboratory Corporation of America, LabCorp
Classification: Pathogenic for X-linked Agammaglobulinemia. Last evaluated: 2011-08-18. Review status: criteria provided, single submitter. Criteria: LabCorp Variant Classification Summary - May 2015. Collection method: curation, clinical testing. Allele origin: germline. Inheritance: Xlinked recessive. Affected: yes. Observed: 4 variant alleles.
ClinVar note: Converted during submission from pathogenic to Pathogenic.

Clinical Molecular Genetics Laboratory, Johns Hopkins All Children's Hospital
Classification: Pathogenic for Autosomal agammaglobulinemia. Last evaluated: 2017-02-17. Review status: no assertion criteria provided. Collection method: clinical testing. Allele origin: germline. Affected: yes. Not counted in ClinVar's aggregate classification.

OMIM
Classification: Pathogenic for AGAMMAGLOBULINEMIA, X-LINKED. Last evaluated: 1994-09-13. Review status: no assertion criteria provided. Collection method: literature only. Allele origin: germline. Not counted in ClinVar's aggregate classification.

Literature cited by the submitters: PubMed 9445504 (cited by Labcorp Genetics (formerly Invitae), Labcorp and Women's Health and Genetics/Laboratory Corporation of America, LabCorp); PubMed 11742281 (cited by Labcorp Genetics (formerly Invitae), Labcorp); PubMed 19039656 (cited by 3 submitters); PubMed 8380905 (cited by 3 submitters); PubMed 7711734 (cited by 3billion); PubMed 18518992 (cited by Women's Health and Genetics/Laboratory Corporation of America, LabCorp); PubMed 17327079 (cited by Women's Health and Genetics/Laboratory Corporation of America, LabCorp); PubMed 8695804 (cited by Women's Health and Genetics/Laboratory Corporation of America, LabCorp); PubMed 7809124 (cited by Women's Health and Genetics/Laboratory Corporation of America, LabCorp); PubMed 8594569 (cited by Women's Health and Genetics/Laboratory Corporation of America, LabCorp); PubMed 11410123 (cited by Women's Health and Genetics/Laboratory Corporation of America, LabCorp); PubMed 9880544 (cited by Women's Health and Genetics/Laboratory Corporation of America, LabCorp); PubMed 10092645 (cited by Women's Health and Genetics/Laboratory Corporation of America, LabCorp); PubMed 9188445 (cited by Women's Health and Genetics/Laboratory Corporation of America, LabCorp); PubMed 9524120 (cited by Women's Health and Genetics/Laboratory Corporation of America, LabCorp); PubMed 8090769 (cited by OMIM).